The following is an entry in ClinVar:

Single allele

Gene: DMD (dystrophin; minus strand). Cytogenetic location: Xp21.1.
Variant type: Deletion.
Identifiers: ClinVar variation 1807244 (VCV001807244.2).

ClinVar aggregate classification (germline): Pathogenic (1 of 4 stars; one submission).

Submission:

Athena Diagnostics
Classification: Pathogenic. Last evaluated: 2022-06-28. Review status: criteria provided, single submitter. Criteria: Athena Diagnostics Criteria. Collection method: clinical testing. Allele origin: unknown.
Comment: This variant is expected to result in the loss of a functional protein. Multiple unrelated individuals with Duchenne muscular dystrophy (DMD) have been reported with similar deletions of exons 48-50. Similar variants have not been reported in large, multi-ethnic general populations (Genome Aggregation Database (gnomAD), Cambridge, MA (URL)).

Literature cited by the submitters: PubMed 9800909; PubMed 22090376; PubMed 19937601.